The following is an entry in ClinVar:

NM_000419.5(ITGA2B):c.2505G>A (p.Pro835=)

Gene: ITGA2B (integrin subunit alpha 2b; minus strand). Cytogenetic location: 17q21.31.
Variant type: single nucleotide variant.
Coding change: c.2505G>A on transcript NM_000419.5 (MANE Select); coding-DNA position 2505, G replaced by A.
Protein change: p.Pro835=; no amino-acid change (proline 835 retained).
Molecular consequence: synonymous variant.
Genome position (GRCh38, 1-based): chr17:44,375,929, C>T on the plus strand (G>A on the coding strand, the complement: ITGA2B is on the minus strand). VCF-style: chr17-44375929-C-T. GRCh37 (hg19) VCF-style: chr17-42453297-C-T.
Identifiers: ClinVar variation 3714528 (VCV003714528.2).

ClinVar aggregate classification (germline): Uncertain significance (1 of 4 stars; one submission).

Conditions:
Glanzmann thrombasthenia. Also called: Glanzmann's thrombasthenia; BLEEDING DISORDER, PLATELET-TYPE, 2; THROMBASTHENIA OF GLANZMANN AND NAEGELI; Thrombasthenia; PLATELET GLYCOPROTEIN IIb-IIIa DEFICIENCY. Identifiers: Orphanet 849, MedGen C0040015, MONDO:0100326.

gnomAD v4.1: 6 of 1,613,738 alleles (0.00037%); highest among the groups gnomAD compares: East Asian, 0.0022%; no homozygotes.

Submission:

Labcorp Genetics (formerly Invitae), Labcorp
Classification: Uncertain significance for Glanzmann thrombasthenia. Last evaluated: 2024-02-10. Review status: criteria provided, single submitter. Criteria: Invitae Variant Classification Sherloc (09022015). Collection method: clinical testing. Allele origin: germline.
Comment: This sequence change affects codon 835 of the ITGA2B mRNA. It is a 'silent' change, meaning that it does not change the encoded amino acid sequence of the ITGA2B protein. This variant is present in population databases (no rsID available, gnomAD 0.003%). This variant has not been reported in the literature in individuals affected with ITGA2B-related conditions. Algorithms developed to predict the effect of sequence changes on RNA splicing suggest that this variant may create or strengthen a splice site. In summary, the available evidence is currently insufficient to determine the role of this variant in disease. Therefore, it has been classified as a Variant of Uncertain Significance.